The following is an entry in ClinVar:

NM_199242.3(UNC13D):c.683+4C>T

Gene: UNC13D (unc-13 homolog D; minus strand). Cytogenetic location: 17q25.1.
Variant type: single nucleotide variant.
Coding change: c.683+4C>T on transcript NM_199242.3 (MANE Select); 4 bases into the intron after coding-DNA position 683, C replaced by T.
Molecular consequence: intron variant.
Genome position (GRCh38, 1-based): chr17:75,840,758, G>A on the plus strand (C>T on the coding strand, the complement: UNC13D is on the minus strand). VCF-style: chr17-75840758-G-A. GRCh37 (hg19) VCF-style: chr17-73836839-G-A.
Identifiers: ClinVar variation 325271 (VCV000325271.7), dbSNP rs374832914, ClinGen allele CA8773353.

ClinVar aggregate classification (germline): Uncertain significance. Review status: criteria provided, multiple submitters, no conflicts (2 of 4 stars). 2 submissions from 2 submitters: Uncertain significance (2). Last evaluated 2021-09-14.

Conditions:
Familial hemophagocytic lymphohistiocytosis 3 (FHL3). Also called: UNC13D-Related Familial Hemophagocytic Lymphohistiocytosis (UNC13D-fHLH). Identifiers: Orphanet 540, MedGen C1837174, MONDO:0012146, OMIM 608898.

Allele frequency attached by ClinVar (database versions not stated): ExAC 0.00001; gnomAD 0.00001; TOPMed 0.00002; ESP Exome Variant Server 0.00008.

Submissions (2):

Labcorp Genetics (formerly Invitae), Labcorp
Classification: Uncertain significance for Familial hemophagocytic lymphohistiocytosis 3. Last evaluated: 2021-09-14. Review status: criteria provided, single submitter. Criteria: Invitae Variant Classification Sherloc (09022015). Collection method: clinical testing. Allele origin: germline.
Comment: This sequence change falls in intron 8 of the UNC13D gene. It does not directly change the encoded amino acid sequence of the UNC13D protein. It affects a nucleotide within the consensus splice site of the intron. This variant is present in population databases (rs374832914, ExAC 0.001%). This variant has not been reported in the literature in individuals affected with UNC13D-related conditions. ClinVar contains an entry for this variant (Variation ID: 325271). Variants that disrupt the consensus splice site are a relatively common cause of aberrant splicing (PMID: 17576681, 9536098). Algorithms developed to predict the effect of sequence changes on RNA splicing suggest that this variant is not likely to affect RNA splicing. In summary, the available evidence is currently insufficient to determine the role of this variant in disease. Therefore, it has been classified as a Variant of Uncertain Significance.

Illumina Laboratory Services, Illumina
Classification: Uncertain significance for Familial hemophagocytic lymphohistiocytosis 3. Last evaluated: 2018-01-13. Review status: criteria provided, single submitter. Criteria: ICSL Variant Classification Criteria 13 December 2019. Collection method: clinical testing. Allele origin: germline.

Literature cited by the submitters: PubMed 17576681 (cited by Labcorp Genetics (formerly Invitae), Labcorp); PubMed 9536098 (cited by Labcorp Genetics (formerly Invitae), Labcorp).